The following is an entry in ClinVar:

NM_000278.5(PAX2):c.890C>G (p.Ser297Ter)

Gene: PAX2 (paired box 2; plus strand). Cytogenetic location: 10q24.31.
Variant type: single nucleotide variant.
Coding change: c.890C>G on transcript NM_000278.5 (MANE Select); coding-DNA position 890, C replaced by G.
Protein change: p.Ser297Ter; replaces serine 297 with a stop codon.
Molecular consequence: nonsense.
Genome position (GRCh38, 1-based): chr10:100,809,207, C>G. VCF-style: chr10-100809207-C-G. GRCh37 (hg19) VCF-style: chr10-102568964-C-G.
Other names: c.983C>G, p.Ser328Ter (NM_001304569.2); c.959C>G, p.Ser320Ter (NM_003987.5, NM_003990.5); c.890C>G, p.Ser297Ter (NM_003988.5, NM_003989.5); c.959C>G (NM_003990.3); short protein forms S320*, S328*, S297*.
Identifiers: ClinVar variation 522066 (VCV000522066.6), dbSNP rs1554865146, ClinGen allele CA378259442.

ClinVar aggregate classification (germline): Pathogenic/Likely pathogenic. Review status: criteria provided, multiple submitters, no conflicts (2 of 4 stars). 2 submissions from 2 submitters: Pathogenic (1); Likely pathogenic (1). Last evaluated 2026-01-07.

Conditions:
Inborn genetic diseases. Identifiers: MedGen C0950123, MeSH D030342.

Submissions (2):

GeneDx
Classification: Likely pathogenic. Last evaluated: 2026-01-07. Review status: criteria provided, single submitter. Criteria: GeneDx Variant Classification Process June 2021. Collection method: clinical testing. Allele origin: germline.
Comment: Nonsense variant predicted to result in protein truncation or nonsense mediated decay in a gene for which loss of function is a known mechanism of disease; Not observed at significant frequency in large population cohorts (gnomAD); Identified in patients with renal anomalies referred for genetic testing at GeneDx and in published literature (PMID: 36176665, 37897632, 40229647); This variant is associated with the following publications: (PMID: 37897632, 36176665, 40229647)

Ambry Genetics
Classification: Pathogenic for Inborn genetic diseases. Last evaluated: 2017-09-18. Review status: criteria provided, single submitter. Criteria: Ambry exome assertion method (8-5-2015). Collection method: clinical testing. Allele origin: germline. Affected: yes. Observed: 1 variant allele.